The following is an entry in ClinVar:

NM_004006.3(DMD):c.5188A>G (p.Lys1730Glu)

Gene: DMD (dystrophin; minus strand). Cytogenetic location: Xp21.1.
Variant type: single nucleotide variant.
Coding change: c.5188A>G on transcript NM_004006.3 (MANE Select); coding-DNA position 5188, A replaced by G.
Protein change: p.Lys1730Glu; replaces lysine 1730 with glutamic acid.
Molecular consequence: missense variant.
Genome position (GRCh38, 1-based): chrX:32,362,925, T>C on the plus strand (A>G on the coding strand, the complement: DMD is on the minus strand). VCF-style: chrX-32362925-T-C. GRCh37 (hg19) VCF-style: chrX-32381042-T-C.
Other names: c.5164A>G, p.Lys1722Glu (NM_000109.4); c.5176A>G, p.Lys1726Glu (NM_004009.3); c.4819A>G, p.Lys1607Glu (NM_004010.3); c.1165A>G, p.Lys389Glu (NM_004011.4); c.1156A>G, p.Lys386Glu (NM_004012.4); short protein forms K1607E, K386E, K1722E, K1726E, K389E, K1730E.
Identifiers: ClinVar variation 1521369 (VCV001521369.3), dbSNP rs1473732566, ClinGen allele CA412671327.

ClinVar aggregate classification (germline): Uncertain significance (1 of 4 stars; one submission).

Conditions:
Duchenne muscular dystrophy (DMD). Also called: MUSCULAR DYSTROPHY, PSEUDOHYPERTROPHIC PROGRESSIVE, DUCHENNE TYPE; Duchenne Muscular Dystrophy (DMD). Identifiers: Orphanet 98896, MedGen C0013264, MONDO:0010679, OMIM 310200.

Allele frequency attached by ClinVar (database versions not stated): gnomAD exomes below 0.00001 and 0.00001; TOPMed below 0.00001.
gnomAD v4.1: 4 of 1,211,159 alleles (0.00033%); highest among the groups gnomAD compares: East Asian, 0.012%; no homozygotes.

Submission:

Labcorp Genetics (formerly Invitae), Labcorp
Classification: Uncertain significance for Duchenne muscular dystrophy. Last evaluated: 2021-10-23. Review status: criteria provided, single submitter. Criteria: Invitae Variant Classification Sherloc (09022015). Collection method: clinical testing. Allele origin: germline.
Comment: This sequence change replaces lysine with glutamic acid at codon 1730 of the DMD protein (p.Lys1730Glu). The lysine residue is highly conserved and there is a small physicochemical difference between lysine and glutamic acid. This variant is not present in population databases (ExAC no frequency). This variant has not been reported in the literature in individuals with DMD-related disease. Algorithms developed to predict the effect of missense changes on protein structure and function are either unavailable or do not agree on the potential impact of this missense change (SIFT: "Tolerated"; PolyPhen-2: "Possibly Damaging"; Align-GVGD: "Class C0"). In summary, the available evidence is currently insufficient to determine the role of this variant in disease. Therefore, it has been classified as a Variant of Uncertain Significance.